The following is an entry in ClinVar:

NM_001614.5(ACTG1):c.315G>A (p.Leu105=)

Gene: ACTG1 (actin gamma 1; minus strand). Cytogenetic location: 17q25.3.
Variant type: single nucleotide variant.
Coding change: c.315G>A on transcript NM_001614.5 (MANE Select); coding-DNA position 315, G replaced by A.
Protein change: p.Leu105=; no amino-acid change (leucine 105 retained).
Molecular consequence: synonymous variant. On other transcripts: non-coding transcript variant (1).
Genome position (GRCh38, 1-based): chr17:81,511,951, C>T on the plus strand (G>A on the coding strand, the complement: ACTG1 is on the minus strand). VCF-style: chr17-81511951-C-T. GRCh37 (hg19) VCF-style: chr17-79478977-C-T.
Other names: c.315G>A, p.Leu105= (NM_001199954.3).
Identifiers: ClinVar variation 162720 (VCV000162720.24), dbSNP rs202094234, ClinGen allele CA175217.

ClinVar aggregate classification (germline): Benign/Likely benign. Review status: criteria provided, multiple submitters, no conflicts (2 of 4 stars). 9 submissions from 8 submitters: Benign (3); Likely benign (6). Last evaluated 2026-09-08.

Conditions:
ACTG1-related disorder. Also called: ACTG1-related condition; ACTG1-related disorders.
Autosomal dominant nonsyndromic hearing loss 20. Identifiers: Orphanet 90635, MedGen C1858172, MONDO:0011480, OMIM 604717.
Baraitser-winter syndrome 2. Identifiers: Orphanet 2995, MedGen C3281235, MONDO:0013812, OMIM 614583.

Allele frequency attached by ClinVar (database versions not stated): ExAC 0.00005; TOPMed 0.00036; 1000 Genomes Project 30x 0.00047; 1000 Genomes Project 0.00060.
gnomAD v4.1: 254 of 1,614,126 alleles (0.016%); highest among the groups gnomAD compares: Admixed American, 0.4%; 2 homozygotes.

Submissions (9):

PreventionGenetics, part of Exact Sciences
Classification: Likely benign for ACTG1-related condition. Last evaluated: 2026-09-08. Review status: criteria provided, single submitter. Criteria: ACMG Guidelines, 2015. Collection method: clinical testing. Allele origin: germline.
Comment: This variant is classified as likely benign based on ACMG/AMP sequence variant interpretation guidelines (Richards et al. 2015 PMID: 25741868, with internal and published modifications).

CeGaT Center for Human Genetics Tuebingen
Classification: Likely benign. Last evaluated: 2026-05-01. Review status: criteria provided, single submitter. Criteria: CeGaT Center For Human Genetics Tuebingen Variant Classification Criteria Version 2. Collection method: clinical testing. Allele origin: germline. Affected: yes. Observed: 2 variant alleles.
Comment: ACTG1: BP4, BP7

Labcorp Genetics (formerly Invitae), Labcorp
Classification: Likely benign for Baraitser-winter syndrome 2; Autosomal dominant nonsyndromic hearing loss 20. Last evaluated: 2026-01-13. Review status: criteria provided, single submitter. Criteria: Invitae Variant Classification Sherloc (09022015). Collection method: clinical testing. Allele origin: germline.

Blueprint Genetics
Classification: Likely benign. Last evaluated: 2024-09-10. Review status: criteria provided, single submitter. Criteria: ACMG Guidelines, 2015. Collection method: clinical testing. Allele origin: germline.

Genome-Nilou Lab
Classification: Benign for Baraitser-winter syndrome 2. Last evaluated: 2021-12-05. Review status: criteria provided, single submitter. Criteria: ACMG Guidelines, 2015. Collection method: clinical testing. Allele origin: germline. Affected: no.

Genome-Nilou Lab
Classification: Benign for Autosomal dominant nonsyndromic hearing loss 20. Last evaluated: 2021-12-05. Review status: criteria provided, single submitter. Criteria: ACMG Guidelines, 2015. Collection method: clinical testing. Allele origin: germline. Affected: no.

GeneDx
Classification: Benign. Last evaluated: 2018-12-21. Review status: criteria provided, single submitter. Criteria: GeneDx Variant Classification Process June 2021. Collection method: clinical testing. Allele origin: germline. Affected: yes.

Laboratory for Molecular Medicine, Mass General Brigham Personalized Medicine
Classification: Likely benign. Last evaluated: 2014-01-30. Review status: criteria provided, single submitter. Criteria: LMM Criteria. Collection method: clinical testing. Allele origin: germline. Observed: 1 variant allele.
Comment: Leu105Leu in exon 3 of ACTG1: This variant is not expected to have clinical sign ificance because it does not alter an amino acid residue, is not located within the splice consensus sequence, and has been identified in 1.7% (2/120) Colombian chromosomes by the 1000 Genomes Project (dbSNP rs20 2094234).

Breakthrough Genomics
Classification: Likely benign. Review status: criteria provided, single submitter. Criteria: ACMG Guidelines, 2015. Collection method: not provided. Allele origin: germline. Inheritance: Autosomal dominant inheritance. Affected: yes.